The following is an entry in ClinVar:

NM_000368.5(TSC1):c.3375_3376delinsTT (p.Leu1125_Gly1126delinsPheCys)

Gene: TSC1 (TSC complex subunit 1; minus strand). Cytogenetic location: 9q34.13.
Variant type: Indel.
Coding change: c.3375_3376delinsTT on transcript NM_000368.5 (MANE Select); coding-DNA positions 3375 to 3376, GG replaced by TT.
Protein change: p.Leu1125_Gly1126delinsPheCys.
Molecular consequence: missense variant. On other transcripts: non-coding transcript variant (5).
Genome position (GRCh38, 1-based): chr9:132,896,354-132,896,355, CC replaced by AA on the plus strand (GG replaced by TT on the coding strand, the reverse complement: TSC1 is on the minus strand). VCF-style: chr9-132896354-CC-AA. GRCh37 (hg19) VCF-style: chr9-135771741-CC-AA.
Other names: c.2421_2422delinsTT, p.Leu807_Gly808delinsPheCys (NM_001406628.1, NM_001406627.1); c.2322_2323delinsTT, p.Leu774_Gly775delinsPheCys (NM_001406629.1, NM_001406630.1); c.3012_3013delinsTT, p.Leu1004_Gly1005delinsPheCys (NM_001362177.2, NM_001406614.1, NM_001406615.1 and 4 more transcripts); c.3375_3376delinsTT, p.Leu1125_Gly1126delinsPheCys (NM_001406592.1, NM_001406593.1, NM_001406594.1 and 2 more transcripts); c.3372_3373delinsTT, p.Leu1124_Gly1125delinsPheCys (NM_001406597.1, NM_001406598.1, NM_001406599.1 and 2 more transcripts); c.3360_3361delinsTT, p.Leu1120_Gly1121delinsPheCys (NM_001406601.1, NM_001406602.1); c.3357_3358delinsTT, p.Leu1119_Gly1120delinsPheCys (NM_001406603.1, NM_001406604.1); c.3333_3334delinsTT, p.Leu1111_Gly1112delinsPheCys (NM_001406605.1, NM_001406606.1, NM_001406607.1); and 8 more.
Identifiers: ClinVar variation 2625203 (VCV002625203.6), dbSNP rs2538428735, ClinGen allele CA2582342665.

ClinVar aggregate classification (germline): Uncertain significance. Review status: criteria provided, multiple submitters, no conflicts (2 of 4 stars). 2 submissions from 2 submitters: Uncertain significance (2). Last evaluated 2025-09-04.

Conditions:
Hereditary cancer-predisposing syndrome. Also called: Tumor predisposition; Neoplastic Syndromes, Hereditary; Hereditary Cancer Syndrome; Hereditary neoplastic syndrome. Identifiers: Orphanet 140162, MedGen C0027672, MeSH D009386, MONDO:0015356.
Tuberous sclerosis 1 (TSC1). Identifiers: Orphanet 805, MedGen C1854465, MONDO:0008612, OMIM 191100.

Submissions (2):

Ambry Genetics
Classification: Uncertain significance for Hereditary cancer-predisposing syndrome. Last evaluated: 2025-09-04. Review status: criteria provided, single submitter. Criteria: Ambry Variant Classification Scheme 2023. Collection method: clinical testing. Allele origin: germline.
Comment: The c.3375_3376delGGinsTT variant (also known as p.L1125_G1126delinsFC), located in coding exon 21 of the TSC1 gene, results from an in-frame deletion of GG and insertion of TT at nucleotide positions 3375 to 3376. This results in the substitution of the residues leucine and glycine for residues phenylalanine and cystine at codons 1125 and 1126. This amino acid region is not well conserved in available vertebrate species. In addition, this alteration is predicted to be neutral by in silico analysis (Choi Y et al. PLoS ONE. 2012; 7(10):e46688). Since supporting evidence is limited at this time, the clinical significance of this alteration remains unclear.

Labcorp Genetics (formerly Invitae), Labcorp
Classification: Uncertain significance for Tuberous sclerosis 1. Last evaluated: 2024-12-12. Review status: criteria provided, single submitter. Criteria: Invitae Variant Classification Sherloc (09022015). Collection method: clinical testing. Allele origin: germline.
Comment: This variant, c.3375_3376delinsTT, is a complex sequence change that results in the deletion of 2 and insertion of 2 amino acid(s) in the TSC1 protein (p.Leu1125_Gly1126delinsPheCys). Information on the frequency of this variant in the gnomAD database is not available, as this variant may be reported differently in the database. This variant has not been reported in the literature in individuals affected with TSC1-related conditions. ClinVar contains an entry for this variant (Variation ID: 2625203). Experimental studies and prediction algorithms are not available or were not evaluated, and the functional significance of this variant is currently unknown. In summary, the available evidence is currently insufficient to determine the role of this variant in disease. Therefore, it has been classified as a Variant of Uncertain Significance.